The following is an entry in ClinVar:

NM_152703.5(SAMD9L):c.478C>A (p.Gln160Lys)

Gene: SAMD9L (sterile alpha motif domain containing 9 like; minus strand). Cytogenetic location: 7q21.2.
Variant type: single nucleotide variant.
Coding change: c.478C>A on transcript NM_152703.5 (MANE Select); coding-DNA position 478, C replaced by A.
Protein change: p.Gln160Lys; replaces glutamine 160 with lysine.
Molecular consequence: missense variant.
Genome position (GRCh38, 1-based): chr7:93,135,494, G>T on the plus strand (C>A on the coding strand, the complement: SAMD9L is on the minus strand). VCF-style: chr7-93135494-G-T. GRCh37 (hg19) VCF-style: chr7-92764807-G-T.
Other names: c.478C>A, p.Gln160Lys (NM_001303496.3, NM_001303497.3, NM_001303498.3 and 5 more transcripts); short protein forms Q160K.
Identifiers: ClinVar variation 3726370 (VCV003726370.2).

ClinVar aggregate classification (germline): Uncertain significance (1 of 4 stars; one submission).

gnomAD v4.1: 1 of 1,614,168 alleles (0.000062%); highest among the groups gnomAD compares: Non-Finnish European, 0.000085%; no homozygotes.

Submission:

Labcorp Genetics (formerly Invitae), Labcorp
Classification: Uncertain significance. Last evaluated: 2024-12-04. Review status: criteria provided, single submitter. Criteria: Invitae Variant Classification Sherloc (09022015). Collection method: clinical testing. Allele origin: germline.
Comment: This sequence change replaces glutamine, which is neutral and polar, with lysine, which is basic and polar, at codon 160 of the SAMD9L protein (p.Gln160Lys). This variant is not present in population databases (gnomAD no frequency). This variant has not been reported in the literature in individuals affected with SAMD9L-related conditions. An algorithm developed to predict the effect of missense changes on protein structure and function outputs the following: PolyPhen-2: "Benign". The lysine amino acid residue is found in multiple mammalian species, which suggests that this missense change does not adversely affect protein function. In summary, the available evidence is currently insufficient to determine the role of this variant in disease. Therefore, it has been classified as a Variant of Uncertain Significance.